The following is an entry in ClinVar:

ClinVar aggregate classification (germline): Uncertain significance. Review status: criteria provided, multiple submitters, no conflicts (2 of 4 stars). 6 submissions from 6 submitters: Uncertain significance (5). 1 of the submissions does not count toward it. Last evaluated 2025-09-21.

Conditions:
Bicuspid aortic valve. Identifiers: MedGen C0149630, HP:0001647.
Familial thoracic aortic aneurysm and aortic dissection (TAAD). Also called: Thoracic aortic aneurysms and dissections. Identifiers: Orphanet 91387, MedGen C4707243, MONDO:0019625.
Arterial tortuosity syndrome (ATORS). Identifiers: Orphanet 3342, MedGen C1859726, MONDO:0008818, OMIM 208050.

Allele frequency attached by ClinVar (database versions not stated): ExAC 0.00002; gnomAD 0.00002 and 0.00003; gnomAD exomes 0.00002 and 0.00006; TOPMed 0.00003.
gnomAD v4.1: 87 of 1,613,736 alleles (0.0054%); highest among the groups gnomAD compares: Non-Finnish European, 0.0071%; no homozygotes.

Submissions (6):

Ambry Genetics
Classification: Uncertain significance for Familial thoracic aortic aneurysm and aortic dissection. Last evaluated: 2025-09-21. Review status: criteria provided, single submitter. Criteria: Ambry Variant Classification Scheme 2023. Collection method: clinical testing. Allele origin: germline.
Comment: The p.S310F variant (also known as c.929C>T), located in coding exon 2 of the SLC2A10 gene, results from a C to T substitution at nucleotide position 929. The serine at codon 310 is replaced by phenylalanine, an amino acid with highly dissimilar properties. This amino acid position is not well conserved in available vertebrate species. In addition, the in silico prediction for this alteration is inconclusive. Since supporting evidence is limited at this time, the clinical significance of this alteration remains unclear.

Blueprint Genetics
Classification: Uncertain significance. Last evaluated: 2024-02-20. Review status: criteria provided, single submitter. Criteria: ACMG Guidelines, 2015. Collection method: clinical testing. Allele origin: germline.

Labcorp Genetics (formerly Invitae), Labcorp
Classification: Uncertain significance for Arterial tortuosity syndrome. Last evaluated: 2024-01-18. Review status: criteria provided, single submitter. Criteria: Invitae Variant Classification Sherloc (09022015). Collection method: clinical testing. Allele origin: germline.
Comment: This sequence change replaces serine, which is neutral and polar, with phenylalanine, which is neutral and non-polar, at codon 310 of the SLC2A10 protein (p.Ser310Phe). The frequency data for this variant in the population databases is considered unreliable, as metrics indicate poor data quality at this position in the gnomAD database. This variant has not been reported in the literature in individuals affected with SLC2A10-related conditions. ClinVar contains an entry for this variant (Variation ID: 213732). Advanced modeling of protein sequence and biophysical properties (such as structural, functional, and spatial information, amino acid conservation, physicochemical variation, residue mobility, and thermodynamic stability) has been performed at Invitae for this missense variant, however the output from this modeling did not meet the statistical confidence thresholds required to predict the impact of this variant on SLC2A10 protein function. In summary, the available evidence is currently insufficient to determine the role of this variant in disease. Therefore, it has been classified as a Variant of Uncertain Significance.

CHEO Genetics Diagnostic Laboratory, Children's Hospital of Eastern Ontario
Classification: Uncertain significance for Familial thoracic aortic aneurysm and aortic dissection. Last evaluated: 2022-02-15. Review status: criteria provided, single submitter. Criteria: ACMG Guidelines, 2015. Collection method: clinical testing. Allele origin: germline.

GeneDx
Classification: Uncertain significance. Last evaluated: 2019-09-06. Review status: criteria provided, single submitter. Criteria: GeneDx Variant Classification Process June 2021. Collection method: clinical testing. Allele origin: germline. Affected: yes.
Comment: Not observed at a significant frequency in large population cohorts (Lek et al., 2016); In silico analysis, which includes protein predictors and evolutionary conservation, supports a deleterious effect; Has not been previously published as pathogenic or benign to our knowledge

Clinical Molecular Genetics Laboratory, Johns Hopkins All Children's Hospital
Classification: Uncertain significance for Bicuspid aortic valve. Last evaluated: 2015-11-19. Review status: no assertion criteria provided. Collection method: clinical testing. Allele origin: germline. Affected: yes. Not counted in ClinVar's aggregate classification.

NM_030777.4(SLC2A10):c.929C>T (p.Ser310Phe)

Gene: SLC2A10 (solute carrier family 2 member 10; plus strand). Cytogenetic location: 20q13.12.
Variant type: single nucleotide variant.
Coding change: c.929C>T on transcript NM_030777.4 (MANE Select); coding-DNA position 929, C replaced by T.
Protein change: p.Ser310Phe; replaces serine 310 with phenylalanine.
Molecular consequence: missense variant.
Genome position (GRCh38, 1-based): chr20:46,725,965, C>T. VCF-style: chr20-46725965-C-T. GRCh37 (hg19) VCF-style: chr20-45354604-C-T.
Other names: p.S310F:TCC>TTC; short protein forms S310F.
Identifiers: ClinVar variation 213732 (VCV000213732.15), dbSNP rs763521707, ClinGen allele CA323679.